The following is an entry in ClinVar:

NM_031475.3(ESPN):c.2230G>A (p.Asp744Asn)

Gene: ESPN (espin; plus strand). Cytogenetic location: 1p36.31.
Variant type: single nucleotide variant.
Coding change: c.2230G>A on transcript NM_031475.3 (MANE Select); coding-DNA position 2230, G replaced by A.
Protein change: p.Asp744Asn; replaces aspartic acid 744 with asparagine.
Molecular consequence: missense variant.
Genome position (GRCh38, 1-based): chr1:6,452,001, G>A. VCF-style: chr1-6452001-G-A. GRCh37 (hg19) VCF-style: chr1-6512061-G-A.
Other names: c.2140G>A, p.Asp714Asn (NM_001367473.1); c.2167G>A, p.Asp723Asn (NM_001367474.1); short protein forms D744N, D714N, D723N.
Identifiers: ClinVar variation 4421 (VCV000004421.20), dbSNP rs121908135, ClinGen allele CA116850.
Genomic context (GRCh38, chr1:6,452,001, plus strand): 5'-CCGCCCACTACTCCTGCGCCGGGAGTGCAGCTGGACGTGGAGGCTCTCATCCCCACGCAC[G>A]ATGAGCAGGGCCGGCCCATCCCCGAGTGGAAGCGCCAGGTGATGGTGCGCAAGATGCAGC-3'
Protein context (NP_113663.2, residues 734-754): LDVEALIPTH[Asp744Asn]EQGRPIPEWK

ClinVar aggregate classification (germline): Uncertain significance. Review status: criteria provided, multiple submitters, no conflicts (2 of 4 stars). 7 submissions from 7 submitters: Uncertain significance (6). 1 of the submissions does not count toward it. Last evaluated 2026-04-07.

Conditions:
Autosomal recessive nonsyndromic hearing loss 36. Also called: Deafness, autosomal recessive 36; DEAFNESS, AUTOSOMAL RECESSIVE 36, WITH VESTIBULAR INVOLVEMENT. Identifiers: Orphanet 90636, MedGen C1837007, MONDO:0012170, OMIM 609006.
Usher syndrome, type 1M. Identifiers: MedGen C5231434, MONDO:0032841, OMIM 618632.
Autosomal dominant nonsyndromic hearing loss 91. Also called: DEAFNESS, AUTOSOMAL DOMINANT 91. Identifiers: MedGen CN381539, MONDO:0981166, OMIM 621556.
ESPN-related disorder. Also called: ESPN-related condition.

Allele frequency attached by ClinVar (database versions not stated): gnomAD 0.00013; TOPMed 0.00014.
gnomAD v4.1: 382 of 1,605,250 alleles (0.024%); highest among the groups gnomAD compares: Non-Finnish European, 0.031%; 1 homozygote.

Submissions (7):

PreventionGenetics, part of Exact Sciences
Classification: Uncertain significance for ESPN-related condition. Last evaluated: 2026-04-07. Review status: criteria provided, single submitter. Criteria: ACMG Guidelines, 2015. Collection method: clinical testing. Allele origin: germline.
Comment: The ESPN c.2230G>A variant is predicted to result in the amino acid substitution p.Asp744Asn. This variant was reported in three individuals from two families with hearing loss, although the two related individuals had likely causative variants in another gene. (Donaudy et al. 2006. PubMed ID: 15930085; García-García et al. 2020. PubMed ID: 33297549). This variant is reported in 0.038% of alleles in individuals of European (Non-Finnish) descent in gnomAD. At this time, the clinical significance of this variant is uncertain due to the absence of conclusive functional and genetic evidence.

GeneDx
Classification: Uncertain significance. Last evaluated: 2025-04-21. Review status: criteria provided, single submitter. Criteria: GeneDx Variant Classification Process June 2021. Collection method: clinical testing. Allele origin: germline. Affected: yes.
Comment: Observed in unrelated individuals with sensorineural hearing loss in published literature (PMID: 15930085, 33297549); In silico analysis supports that this missense variant has a deleterious effect on protein structure/function; This variant is associated with the following publications: (PMID: 15930085, 33297549)

Blueprint Genetics
Classification: Uncertain significance. Last evaluated: 2024-10-28. Review status: criteria provided, single submitter. Criteria: ACMG Guidelines, 2015. Collection method: clinical testing. Allele origin: germline.

Labcorp Genetics (formerly Invitae), Labcorp
Classification: Uncertain significance. Last evaluated: 2022-08-25. Review status: criteria provided, single submitter. Criteria: Invitae Variant Classification Sherloc (09022015). Collection method: clinical testing. Allele origin: germline.
Comment: This sequence change replaces aspartic acid, which is acidic and polar, with asparagine, which is neutral and polar, at codon 744 of the ESPN protein (p.Asp744Asn). This variant is present in population databases (rs121908135, gnomAD 0.04%). This missense change has been observed in individual(s) with ESPN-related conditions (PMID: 15930085, 33297549). ClinVar contains an entry for this variant (Variation ID: 4421). Algorithms developed to predict the effect of missense changes on protein structure and function are either unavailable or do not agree on the potential impact of this missense change (SIFT: "Deleterious"; PolyPhen-2: "Probably Damaging"; Align-GVGD: "Class C0"). Experimental studies have shown that this missense change affects ESPN function (PMID: 15930085). In summary, the available evidence is currently insufficient to determine the role of this variant in disease. Therefore, it has been classified as a Variant of Uncertain Significance.

Fulgent Genetics
Classification: Uncertain significance for Autosomal recessive nonsyndromic hearing loss 36; Usher syndrome, type 1M. Last evaluated: 2022-03-09. Review status: criteria provided, single submitter. Criteria: ACMG Guidelines, 2015. Collection method: clinical testing. Allele origin: unknown.

ARUP Laboratories, Molecular Genetics and Genomics, ARUP Laboratories
Classification: Uncertain significance. Last evaluated: 2018-02-20. Review status: criteria provided, single submitter. Criteria: ARUP Molecular Germline Variant Investigation Process. Collection method: clinical testing. Allele origin: germline.
Comment: The p.Asp744Asn variant (rs121908135) was reported in one patient with severe bilateral sensorineural hearing loss, and transfection of this variant in epithelial cell culture resulted in about 10 times higher presence of irregular microvilli patches compared to wild-type (Donaudy 2006). This variant is listed in the Genome Aggregation Database (gnomAD) with a frequency of 0.04 percent in the European Non-Finnish population (identified on 44 out of 117,486 chromosomes) and has been reported to the ClinVar database (Variation ID: 4421). The aspartic acid at position 744 is highly conserved and computational analyses of the effects of the p.Asp744Asn variant on protein structure and function indicate a deleterious effect (SIFT: damaging, MutationTaster: disease causing, PolyPhen-2: probably damaging). Altogether, there is not enough evidence to classify the p.Asp744Asn variant with certainty.

OMIM
Classification: Pathogenic for DEAFNESS, AUTOSOMAL DOMINANT 91. Last evaluated: 2006-02-01. Review status: no assertion criteria provided. Collection method: literature only. Allele origin: germline. Not counted in ClinVar's aggregate classification.

Literature cited by the submitters: PubMed 15930085 (cited by Labcorp Genetics (formerly Invitae), Labcorp and OMIM); PubMed 33297549 (cited by Labcorp Genetics (formerly Invitae), Labcorp).